The following is an entry in ClinVar:

ClinVar aggregate classification (germline): Uncertain significance. Review status: criteria provided, multiple submitters, no conflicts (2 of 4 stars). 2 submissions from 2 submitters: Uncertain significance (2). Last evaluated 2025-05-25.

Conditions:
BAP1-related tumor predisposition syndrome (TPDS1). Also called: Tumor susceptibility linked to germline BAP1 mutations; COMMON Syndrome; TUMOR PREDISPOSITION SYNDROME 1; BAP1 tumor predisposition syndrome. Identifiers: Orphanet 289539, MedGen C3280492, MONDO:0013692, OMIM 614327.
Hereditary cancer-predisposing syndrome. Also called: Neoplastic Syndromes, Hereditary; Tumor predisposition; Hereditary Cancer Syndrome; Hereditary neoplastic syndrome. Identifiers: Orphanet 140162, MedGen C0027672, MeSH D009386, MONDO:0015356.

Submissions (2):

Labcorp Genetics (formerly Invitae), Labcorp
Classification: Uncertain significance for BAP1-related tumor predisposition syndrome. Last evaluated: 2025-05-25. Review status: criteria provided, single submitter. Criteria: Invitae Variant Classification Sherloc (09022015). Collection method: clinical testing. Allele origin: germline.
Comment: This sequence change replaces valine, which is neutral and non-polar, with alanine, which is neutral and non-polar, at codon 447 of the BAP1 protein (p.Val447Ala). This variant is not present in population databases (gnomAD no frequency). This variant has not been reported in the literature in individuals affected with BAP1-related conditions. ClinVar contains an entry for this variant (Variation ID: 921455). Invitae Evidence Modeling of protein sequence and biophysical properties (such as structural, functional, and spatial information, amino acid conservation, physicochemical variation, residue mobility, and thermodynamic stability) indicates that this missense variant is not expected to disrupt BAP1 protein function with a negative predictive value of 80%. In summary, the available evidence is currently insufficient to determine the role of this variant in disease. Therefore, it has been classified as a Variant of Uncertain Significance.

Color Diagnostics, LLC DBA Color Health
Classification: Uncertain significance for Hereditary cancer-predisposing syndrome. Last evaluated: 2023-12-04. Review status: criteria provided, single submitter. Criteria: ACMG Guidelines, 2015. Collection method: clinical testing. Allele origin: germline.
Comment: This missense variant replaces valine with alanine at codon 447 of the BAP1 protein. Computational prediction suggests that this variant may not impact protein structure and function (internally defined REVEL score threshold <= 0.5, PMID: 27666373). To our knowledge, functional studies have not been reported for this variant. This variant has not been reported in individuals affected with BAP1-related disorders in the literature. This variant has not been identified in the general population by the Genome Aggregation Database (gnomAD). The available evidence is insufficient to determine the role of this variant in disease conclusively. Therefore, this variant is classified as a Variant of Uncertain Significance.

NM_004656.4(BAP1):c.1340T>C (p.Val447Ala)

Gene: BAP1 (BRCA1 associated deubiquitinase 1; minus strand). Cytogenetic location: 3p21.1.
Variant type: single nucleotide variant.
Coding change: c.1340T>C on transcript NM_004656.4 (MANE Select); coding-DNA position 1340, T replaced by C.
Protein change: p.Val447Ala; replaces valine 447 with alanine.
Molecular consequence: missense variant.
Genome position (GRCh38, 1-based): chr3:52,403,805, A>G on the plus strand (T>C on the coding strand, the complement: BAP1 is on the minus strand). VCF-style: chr3-52403805-A-G. GRCh37 (hg19) VCF-style: chr3-52437821-A-G.
Other names: short protein forms V447A.
Identifiers: ClinVar variation 921455 (VCV000921455.5), dbSNP rs1705057708, ClinGen allele CA353101991.
Genomic context (GRCh38, chr3:52,403,805, plus strand): 5'-GTCTTGATGGACAGAGGAATTGAGAGGTCCTTCTGGGACTCTTTGAGCTTCTCAGCCAAG[A>G]CGTTGATGGTGTTGGGCTGCAGCACTGACAGTTGCCCATCAGCAGAACCGCTCAATGCCC-3'
Protein context (NP_004647.1, residues 437-457): LSVLQPNTIN[Val447Ala]LAEKLKESQK